The following is an entry in ClinVar:

NM_002080.4(GOT2):c.580G>A (p.Ala194Thr)

Genes: GOT2 (glutamic-oxaloacetic transaminase 2; minus strand), LOC126862363 (BRD4-independent group 4 enhancer GRCh37_chr16:58751959-58753158; plus strand). Cytogenetic location: 16q21.
Variant type: single nucleotide variant.
Coding change: c.580G>A on transcript NM_002080.4 (MANE Select); coding-DNA position 580, G replaced by A.
Protein change: p.Ala194Thr; replaces alanine 194 with threonine.
Molecular consequence: missense variant.
Genome position (GRCh38, 1-based): chr16:58,718,544, C>T on the plus strand (G>A on the coding strand, the complement: GOT2 is on the minus strand). VCF-style: chr16-58718544-C-T. GRCh37 (hg19) VCF-style: chr16-58752448-C-T.
Other names: c.451G>A, p.Ala151Thr (NM_001286220.2); short protein forms A194T, A151T.
Identifiers: ClinVar variation 2176748 (VCV002176748.4), dbSNP rs201083152, ClinGen allele CA8091015.

ClinVar aggregate classification (germline): Uncertain significance (1 of 4 stars; one submission).

Allele frequency attached by ClinVar (database versions not stated): gnomAD 0.00003; TOPMed 0.00003; ExAC 0.00015; 1000 Genomes Project 30x 0.00016; 1000 Genomes Project 0.00020; ESP Exome Variant Server 0.00023.
gnomAD v4.1: 102 of 1,586,508 alleles (0.0064%); highest among the groups gnomAD compares: East Asian, 0.038%; no homozygotes.

Submission:

Labcorp Genetics (formerly Invitae), Labcorp
Classification: Uncertain significance. Last evaluated: 2024-10-15. Review status: criteria provided, single submitter. Criteria: Invitae Variant Classification Sherloc (09022015). Collection method: clinical testing. Allele origin: germline.
Comment: This sequence change replaces alanine, which is neutral and non-polar, with threonine, which is neutral and polar, at codon 194 of the GOT2 protein (p.Ala194Thr). This variant is present in population databases (rs201083152, gnomAD 0.03%). This variant has not been reported in the literature in individuals affected with GOT2-related conditions. ClinVar contains an entry for this variant (Variation ID: 2176748). Invitae Evidence Modeling of protein sequence and biophysical properties (such as structural, functional, and spatial information, amino acid conservation, physicochemical variation, residue mobility, and thermodynamic stability) indicates that this missense variant is not expected to disrupt GOT2 protein function with a negative predictive value of 80%. In summary, the available evidence is currently insufficient to determine the role of this variant in disease. Therefore, it has been classified as a Variant of Uncertain Significance.